The following is an entry in ClinVar:

ClinVar aggregate classification (germline): Pathogenic (1 of 4 stars; one submission).

Submission:

Labcorp Genetics (formerly Invitae), Labcorp
Classification: Pathogenic. Last evaluated: 2023-02-08. Review status: criteria provided, single submitter. Criteria: Invitae Variant Classification Sherloc (09022015). Collection method: clinical testing. Allele origin: germline.
Comment: This variant has not been reported in the literature in individuals affected with CYP11B2-related conditions. ClinVar contains an entry for this variant (Variation ID: 938623). For these reasons, this variant has been classified as Pathogenic. This variant is not present in population databases (gnomAD no frequency). This sequence change creates a premature translational stop signal (p.Cys10*) in the CYP11B2 gene. It is expected to result in an absent or disrupted protein product. Loss-of-function variants in CYP11B2 are known to be pathogenic (PMID: 20494601, 22801770, 26936515).

Literature cited by the submitters: PubMed 20494601; PubMed 22801770; PubMed 26936515.

NM_000498.3(CYP11B2):c.30C>A (p.Cys10Ter)

Genes: CYP11B2 (cytochrome P450 family 11 subfamily B member 2; minus strand), LOC106799834 (CYP11B2 recombination region; plus strand). Cytogenetic location: 8q24.3.
Variant type: single nucleotide variant.
Coding change: c.30C>A on transcript NM_000498.3 (MANE Select); coding-DNA position 30, C replaced by A.
Protein change: p.Cys10Ter; replaces cysteine 10 with a stop codon.
Molecular consequence: nonsense.
Genome position (GRCh38, 1-based): chr8:142,917,811, G>T on the plus strand (C>A on the coding strand, the complement: CYP11B2 is on the minus strand). VCF-style: chr8-142917811-G-T. GRCh37 (hg19) VCF-style: chr8-143999227-G-T.
Other names: short protein forms C10*.
Identifiers: ClinVar variation 938623 (VCV000938623.7), dbSNP rs752745892, ClinGen allele CA372394325.